The following is an entry in ClinVar:

NM_001130438.3(SPTAN1):c.3131T>C (p.Leu1044Pro)

Gene: SPTAN1 (spectrin alpha, non-erythrocytic 1; plus strand). Cytogenetic location: 9q34.11.
Variant type: single nucleotide variant.
Coding change: c.3131T>C on transcript NM_001130438.3 (MANE Select); coding-DNA position 3131, T replaced by C.
Protein change: p.Leu1044Pro; replaces leucine 1044 with proline.
Molecular consequence: missense variant.
Genome position (GRCh38, 1-based): chr9:128,591,601, T>C. VCF-style: chr9-128591601-T-C. GRCh37 (hg19) VCF-style: chr9-131353880-T-C.
Other names: c.3131T>C, p.Leu1044Pro (NM_003127.4, NM_001195532.2, NM_001363759.2 and 5 more transcripts); c.3167T>C, p.Leu1056Pro (NM_001375312.2, NM_001375318.1); short protein forms L1044P, L1056P.
Identifiers: ClinVar variation 2763867 (VCV002763867.3), dbSNP rs2541401391, ClinGen allele CA375060573.

ClinVar aggregate classification (germline): Uncertain significance (1 of 4 stars; one submission).

Conditions:
Early-infantile DEE. Also called: Ohtahara syndrome; Early infantile epileptic encephalopathy; Early infantile epileptic encephalopathy with suppression bursts. Identifiers: Orphanet 1934, MedGen C0393706, MONDO:0800491.

Submission:

Labcorp Genetics (formerly Invitae), Labcorp
Classification: Uncertain significance for Early-infantile DEE. Last evaluated: 2023-09-27. Review status: criteria provided, single submitter. Criteria: Invitae Variant Classification Sherloc (09022015). Collection method: clinical testing. Allele origin: germline.
Comment: In summary, the available evidence is currently insufficient to determine the role of this variant in disease. Therefore, it has been classified as a Variant of Uncertain Significance. Advanced modeling of protein sequence and biophysical properties (such as structural, functional, and spatial information, amino acid conservation, physicochemical variation, residue mobility, and thermodynamic stability) has been performed at Invitae for this missense variant, however the output from this modeling did not meet the statistical confidence thresholds required to predict the impact of this variant on SPTAN1 protein function. This variant has not been reported in the literature in individuals affected with SPTAN1-related conditions. This variant is not present in population databases (gnomAD no frequency). This sequence change replaces leucine, which is neutral and non-polar, with proline, which is neutral and non-polar, at codon 1044 of the SPTAN1 protein (p.Leu1044Pro).